The following is an entry in ClinVar:

NC_000012.11:g.(88454772_88456468)_(88457893_88462298)del

Gene: CEP290 (centrosomal protein 290; minus strand). Cytogenetic location: 12q21.32.
Variant type: Deletion.
Identifiers: ClinVar variation 3366570 (VCV003366570.1).

ClinVar aggregate classification (germline): Uncertain significance (1 of 4 stars; one submission).

Submission:

Women's Health and Genetics/Laboratory Corporation of America, LabCorp
Classification: Uncertain significance. Last evaluated: 2024-08-27. Review status: criteria provided, single submitter. Criteria: LabCorp Variant Classification Summary - May 2015. Collection method: clinical testing. Allele origin: germline.
Comment: Variant summary: The variant involves the deletion of exons 45-46 in the CEP290 gene. This Copy Number Variant (CNV) is predicted to result in an in-frame deletion within this gene. A presumed nomenclature of c.(6135+1_6136-1)_(6357+1_6358-1)del has been designated for the purposes of this classification. The variant was absent in 21694 control chromosomes (gnomAD structural variants data set). The available data on variant occurrences in the general population are insufficient to allow any conclusion about variant significance. To our knowledge, no occurrence of c.(6135+1_6136-1)_(6357+1_6358-1)del in individuals affected with Meckel Syndrome Type 4 and no experimental evidence demonstrating its impact on protein function have been reported. No submitters have cited clinical-significance assessments for this variant to ClinVar. Based on the evidence outlined above, the variant was classified as uncertain significance.